The following is an entry in ClinVar:

ClinVar aggregate classification (germline): Uncertain significance. Review status: criteria provided, multiple submitters, no conflicts (2 of 4 stars). 2 submissions from 2 submitters: Uncertain significance (2). Last evaluated 2023-08-31.

gnomAD v4.1: 52 of 1,613,066 alleles (0.0032%); highest among the groups gnomAD compares: East Asian, 0.11%; no homozygotes.

Submissions (2):

GeneDx
Classification: Uncertain significance. Last evaluated: 2023-08-31. Review status: criteria provided, single submitter. Criteria: GeneDx Variant Classification Process June 2021. Collection method: clinical testing. Allele origin: germline. Affected: yes.
Comment: Identified in patients with hearing loss in published literature (Woo et al., 2013; Iwasa et al., 2016), however, the variant did not segregate with hearing loss in one family and was identified in a normal hearing control; In silico analysis supports that this missense variant does not alter protein structure/function; This variant is associated with the following publications: (PMID: 27911912, 23865914)

Blueprint Genetics
Classification: Uncertain significance. Last evaluated: 2021-04-23. Review status: criteria provided, single submitter. Criteria: ACMG Guidelines, 2015. Collection method: clinical testing. Allele origin: germline.

NM_024915.4(GRHL2):c.1334A>G (p.Gln445Arg)

Gene: GRHL2 (grainyhead like transcription factor 2; plus strand). Cytogenetic location: 8q22.3.
Variant type: single nucleotide variant.
Coding change: c.1334A>G on transcript NM_024915.4 (MANE Select); coding-DNA position 1334, A replaced by G.
Protein change: p.Gln445Arg; replaces glutamine 445 with arginine.
Molecular consequence: missense variant.
Genome position (GRCh38, 1-based): chr8:101,631,713, A>G. VCF-style: chr8-101631713-A-G. GRCh37 (hg19) VCF-style: chr8-102643941-A-G.
Other names: c.1286A>G, p.Gln429Arg (NM_001330593.2); short protein forms Q429R, Q445R.
Identifiers: ClinVar variation 3340328 (VCV003340328.2).